The following is an entry in ClinVar:

NM_025137.4(SPG11):c.759A>G (p.Pro253=)

Gene: SPG11 (SPG11 vesicle trafficking associated, spatacsin; minus strand). Cytogenetic location: 15q21.1.
Variant type: single nucleotide variant.
Coding change: c.759A>G on transcript NM_025137.4 (MANE Select); coding-DNA position 759, A replaced by G.
Protein change: p.Pro253=; no amino-acid change (proline 253 retained).
Molecular consequence: synonymous variant.
Genome position (GRCh38, 1-based): chr15:44,657,205, T>C on the plus strand (A>G on the coding strand, the complement: SPG11 is on the minus strand). VCF-style: chr15-44657205-T-C. GRCh37 (hg19) VCF-style: chr15-44949403-T-C.
Other names: c.759A>G, p.Pro253= (NM_001160227.2, NM_001411132.1).
Identifiers: ClinVar variation 3026887 (VCV003026887.22), dbSNP rs2505758977, ClinGen allele CA490208207.

ClinVar aggregate classification (germline): Likely benign (1 of 4 stars; one submission).

Submission:

CeGaT Center for Human Genetics Tuebingen
Classification: Likely benign. Last evaluated: 2024-01-01. Review status: criteria provided, single submitter. Criteria: CeGaT Center For Human Genetics Tuebingen Variant Classification Criteria Version 2. Collection method: clinical testing. Allele origin: germline. Affected: yes. Observed: 1 variant allele.
Comment: SPG11: PM2:Supporting, BP4, BP7